The following is an entry in ClinVar:

ClinVar aggregate classification (germline): Benign (1 of 4 stars; one submission).

Conditions:
Tay-Sachs disease, variant AB. Also called: GM2 Activator Deficiency; Gm2-gangliosidosis, ab variant. Identifiers: Orphanet 309246, MedGen C0268275, MONDO:0010099, OMIM 272750.

Allele frequency attached by ClinVar (database versions not stated): gnomAD 0.00992 and 0.00941; TOPMed 0.01024; 1000 Genomes Project 0.01358; 1000 Genomes Project 30x 0.01405; gnomAD exomes 0.00078.
gnomAD v4.1: 2,198 of 1,112,926 alleles (0.2%); highest among the groups gnomAD compares: African/African-American, 3.3%; 35 homozygotes.

Submission:

Illumina Laboratory Services, Illumina
Classification: Benign for Tay-Sachs disease, variant AB. Last evaluated: 2018-01-12. Review status: criteria provided, single submitter. Criteria: ICSL Variant Classification Criteria 13 December 2019. Collection method: clinical testing. Allele origin: germline.
Comment: This variant was observed in the ICSL laboratory as part of a predisposition screen in an ostensibly healthy population. It had not been previously curated by ICSL or reported in the Human Gene Mutation Database (HGMD: prior to June 1st, 2018), and was therefore a candidate for classification through an automated scoring system. Utilizing variant allele frequency, disease prevalence and penetrance estimates, and inheritance mode, an automated score was calculated to assess if this variant is too frequent to cause the disease. Based on the score and internal cut-off values, a variant classified as benign is not then subjected to further curation. The score for this variant resulted in a classification of benign for this disease.

NM_000405.5(GM2A):c.*536G>T

Gene: GM2A (ganglioside GM2 activator; plus strand). Cytogenetic location: 5q33.1.
Variant type: single nucleotide variant.
Coding change: c.*536G>T on transcript NM_000405.5 (MANE Select); 536 bases downstream of the stop codon, G replaced by T.
Molecular consequence: 3 prime UTR variant.
Genome position (GRCh38, 1-based): chr5:151,267,987, G>T. VCF-style: chr5-151267987-G-T. GRCh37 (hg19) VCF-style: chr5-150647548-G-T.
Other names: c.*347G>T (NM_001167607.3).
Identifiers: ClinVar variation 352268 (VCV000352268.5), dbSNP rs151210034, ClinGen allele CA10619742.